The following is an entry in ClinVar:

ClinVar aggregate classification (germline): Likely benign. Review status: criteria provided, multiple submitters, no conflicts (2 of 4 stars). 2 submissions from 2 submitters: Likely benign (2). Last evaluated 2024-05-20.

Conditions:
3-hydroxy-3-methylglutaryl-CoA synthase deficiency (HMGCS2D). Also called: MITOCHONDRIAL HMG-CoA SYNTHASE DEFICIENCY; HMG-CoA synthase-2 deficiency; HMGCS2 DEFICIENCY. Identifiers: Orphanet 35701, MedGen C2751532, MONDO:0011614, OMIM 605911.

Allele frequency attached by ClinVar (database versions not stated): ExAC 0.00002; gnomAD exomes 0.00002 and 0.00011; TOPMed 0.00003; gnomAD 0.00005; ESP Exome Variant Server 0.00008.
gnomAD v4.1: 172 of 1,614,012 alleles (0.011%); highest among the groups gnomAD compares: Non-Finnish European, 0.014%; no homozygotes.

Submissions (2):

Labcorp Genetics (formerly Invitae), Labcorp
Classification: Likely benign for 3-hydroxy-3-methylglutaryl-CoA synthase deficiency. Last evaluated: 2024-05-20. Review status: criteria provided, single submitter. Criteria: Invitae Variant Classification Sherloc (09022015). Collection method: clinical testing. Allele origin: germline.

GeneDx
Classification: Likely benign. Last evaluated: 2017-05-23. Review status: criteria provided, single submitter. Criteria: GeneDx Variant Classification (06012015). Collection method: clinical testing. Allele origin: germline. Affected: yes.
Comment: This variant is considered likely benign or benign based on one or more of the following criteria: it is a conservative change, it occurs at a poorly conserved position in the protein, it is predicted to be benign by multiple in silico algorithms, and/or has population frequency not consistent with disease.

NM_005518.4(HMGCS2):c.851-19T>C

Gene: HMGCS2 (3-hydroxy-3-methylglutaryl-CoA synthase 2; minus strand). Cytogenetic location: 1p12.
Variant type: single nucleotide variant.
Coding change: c.851-19T>C on transcript NM_005518.4 (MANE Select); 19 bases into the intron before coding-DNA position 851, T replaced by C.
Molecular consequence: intron variant.
Genome position (GRCh38, 1-based): chr1:119,757,457, A>G on the plus strand (T>C on the coding strand, the complement: HMGCS2 is on the minus strand). VCF-style: chr1-119757457-A-G. GRCh37 (hg19) VCF-style: chr1-120300080-A-G.
Other names: c.725-19T>C (NM_001166107.1).
Identifiers: ClinVar variation 517873 (VCV000517873.4), dbSNP rs373541639, ClinGen allele CA1037753.